The following is an entry in ClinVar:

NM_024598.4(USB1):c.11C>T (p.Ala4Val)

Genes: USB1 (U6 snRNA biogenesis phosphodiesterase 1; plus strand), LOC112469011 (Sharpr-MPRA regulatory region 3942; plus strand). Cytogenetic location: 16q21.
Variant type: single nucleotide variant.
Coding change: c.11C>T on transcript NM_024598.4 (MANE Select); coding-DNA position 11, C replaced by T.
Protein change: p.Ala4Val; replaces alanine 4 with valine.
Molecular consequence: missense variant. On other transcripts: intron variant (1).
Genome position (GRCh38, 1-based): chr16:58,001,494, C>T. VCF-style: chr16-58001494-C-T. GRCh37 (hg19) VCF-style: chr16-58035398-C-T.
Other names: c.11C>T, p.Ala4Val (NM_001195302.2, NM_001204911.2, NM_001330569.2); c.-55-985C>T (NM_001330568.2); short protein forms A4V.
Identifiers: ClinVar variation 4634195 (VCV004634195.1).

ClinVar aggregate classification (germline): Uncertain significance (1 of 4 stars; one submission).

Conditions:
Inborn genetic diseases. Identifiers: MedGen C0950123, MeSH D030342.

Submission:

Ambry Genetics
Classification: Uncertain significance for Inborn genetic diseases. Last evaluated: 2025-10-25. Review status: criteria provided, single submitter. Criteria: Ambry Variant Classification Scheme 2023. Collection method: clinical testing. Allele origin: germline.
Comment: The p.A4V variant (also known as c.11C>T), located in coding exon 1 of the USB1 gene, results from a C to T substitution at nucleotide position 11. The alanine at codon 4 is replaced by valine, an amino acid with similar properties. This amino acid position is conserved. In addition, this alteration is predicted to be tolerated by in silico analysis. Based on the available evidence, the clinical significance of this variant remains unclear.